The following is an entry in ClinVar:

ClinVar aggregate classification (germline): Likely benign (1 of 4 stars; one submission).

gnomAD v4.1: 155 of 1,533,382 alleles (0.01%); highest among the groups gnomAD compares: Non-Finnish European, 0.0097%; 1 homozygote.

Submissions (2):

CeGaT Center for Human Genetics Tuebingen
Classification: Likely benign. Last evaluated: 2026-05-01. Review status: criteria provided, single submitter. Criteria: CeGaT Center For Human Genetics Tuebingen Variant Classification Criteria Version 2. Collection method: clinical testing. Allele origin: germline. Affected: yes. Observed: 3 variant alleles.
Comment: LMBRD2: PP3, BS1

Dr. Peter K. Rogan Lab, Western University
No classification provided (evidence only). Condition: Nonpapillary renal cell carcinoma. Review status: no classification provided. Collection method: in vitro. Allele origin: not applicable. Functional consequence: retained intron. Not counted in ClinVar's aggregate classification.

NM_001007527.2(LMBRD2):c.368+6T>G

Gene: LMBRD2 (LMBR1 domain containing 2; minus strand). Cytogenetic location: 5p13.2.
Variant type: single nucleotide variant.
Coding change: c.368+6T>G on transcript NM_001007527.2 (MANE Select); 6 bases into the intron after coding-DNA position 368, T replaced by G.
Molecular consequence: intron variant.
Genome position (GRCh38, 1-based): chr5:36,141,101, A>C on the plus strand (T>G on the coding strand, the complement: LMBRD2 is on the minus strand). VCF-style: chr5-36141101-A-C. GRCh37 (hg19) VCF-style: chr5-36141203-A-C.
Other names: NC_000005.9:g.36141203A>C.
Identifiers: ClinVar variation 3388874 (VCV003388874.15).